The following is an entry in ClinVar:

NM_004168.4(SDHA):c.1661G>C (p.Arg554Pro)

Gene: SDHA (succinate dehydrogenase complex flavoprotein subunit A; plus strand). Cytogenetic location: 5p15.33.
Variant type: single nucleotide variant.
Coding change: c.1661G>C on transcript NM_004168.4 (MANE Select); coding-DNA position 1661, G replaced by C.
Protein change: p.Arg554Pro; replaces arginine 554 with proline.
Molecular consequence: missense variant. On other transcripts: intron variant (1).
Genome position (GRCh38, 1-based): chr5:251,101, G>C. VCF-style: chr5-251101-G-C. GRCh37 (hg19) VCF-style: chr5-251216-G-C.
Other names: c.1517G>C, p.Arg506Pro (NM_001294332.2); c.1552-3292G>C (NM_001330758.2); short protein forms R506P, R554P.
Identifiers: ClinVar variation 2933812 (VCV002933812.3), dbSNP rs376391115, ClinGen allele CA358998999.
Genomic context (GRCh38, chr5:251,101, plus strand): 5'-AAGGTTGTGGGAAAATCAGCAAGCTCTATGGAGACCTAAAGCACCTGAAGACGTTCGACC[G>C]GGGTGAGCAGACAGTGGGCTCTGTGCACACTGTTGGGCCCTTCCTTCTGCAGGGTGGGCT-3'
Protein context (NP_004159.2, residues 544-564): GDLKHLKTFD[Arg554Pro]GMVWNTDLVE

ClinVar aggregate classification (germline): Uncertain significance (1 of 4 stars; one submission).

Conditions:
Mitochondrial complex II deficiency, nuclear type 1. Also called: SUCCINATE CoQ REDUCTASE DEFICIENCY. Identifiers: Orphanet 3208, MedGen C5700310, MONDO:0100294, OMIM 252011.
Pheochromocytoma/paraganglioma syndrome 5. Also called: Paragangliomas 5; SDHA-Related Hereditary Paraganglioma-Pheochromocytoma Syndrome. Identifiers: Orphanet 29072, MedGen C3279992, MONDO:0013602, OMIM 614165.

gnomAD v4.1: 1 of 1,611,472 alleles (0.000062%); highest among the groups gnomAD compares: East Asian, 0.0022%; no homozygotes.

Submission:

Labcorp Genetics (formerly Invitae), Labcorp
Classification: Uncertain significance for Pheochromocytoma/paraganglioma syndrome 5; Mitochondrial complex II deficiency, nuclear type 1. Last evaluated: 2023-07-30. Review status: criteria provided, single submitter. Criteria: Invitae Variant Classification Sherloc (09022015). Collection method: clinical testing. Allele origin: germline.
Comment: This sequence change replaces arginine, which is basic and polar, with proline, which is neutral and non-polar, at codon 554 of the SDHA protein (p.Arg554Pro). This variant is present in population databases (no rsID available, gnomAD 0.006%). In summary, the available evidence is currently insufficient to determine the role of this variant in disease. Therefore, it has been classified as a Variant of Uncertain Significance. An algorithm developed to predict the effect of missense changes on protein structure and function (PolyPhen-2) suggests that this variant is likely to be disruptive. This variant has not been reported in the literature in individuals affected with SDHA-related conditions.